The following is an entry in ClinVar:

ClinVar aggregate classification (germline): Likely pathogenic (1 of 4 stars; one submission).

Submission:

GeneDx
Classification: Likely pathogenic. Last evaluated: 2018-06-22. Review status: criteria provided, single submitter. Criteria: GeneDx Variant Classification (06012015). Collection method: clinical testing. Allele origin: germline. Affected: yes.
Comment: The c.725_746del22 variant in the FOXC2 gene has not been reported previously as a pathogenic variant nor as a benign variant, to our knowledge. The c.725_746del22 variant causes a frameshift starting with codon Arginine 242, changes this amino acid to a Proline residue, and creates a premature Stop codon at position 28 of the new reading frame, denoted p.Arg242ProfsX28. This variant is predicted to cause loss of normal protein function through protein truncation. The c.725_746del22 variant is not observed in large population cohorts (Lek et al., 2016). We interpret c.725_746del22 as a likely pathogenic variant.

NM_005251.3(FOXC2):c.725_746del (p.Arg242fs)

Gene: FOXC2 (forkhead box C2; plus strand). Cytogenetic location: 16q24.1.
Variant type: Deletion.
Coding change: c.725_746del on transcript NM_005251.3 (MANE Select); coding-DNA positions 725 to 746, 22 bases deleted (GCAGCGCGGCCTCCACGCCCGC).
Protein change: p.Arg242fs; shifts the reading frame from arginine 242.
Molecular consequence: frameshift variant.
Genome position (GRCh38, 1-based): chr16:86,568,060-86,568,081, GCAGCGCGGCCTCCACGCCCGC deleted; deleting any 22 consecutive bases within chr16:86,568,054-86,568,081 gives the same sequence; the c. name uses the placement nearest the transcript's 3' end. VCF-style (leftmost placement, unchanged base first): chr16-86568053-AGCCCGCGCAGCGCGGCCTCCAC-A. GRCh37 (hg19) VCF-style: chr16-86601659-AGCCCGCGCAGCGCGGCCTCCAC-A.
Other names: short protein forms R242fs.
Identifiers: ClinVar variation 817109 (VCV000817109.1), dbSNP rs1597402771, ClinGen allele CA915949371.